The following is an entry in ClinVar:

NM_005045.4(RELN):c.7887T>C (p.Pro2629=)

Gene: RELN (reelin; minus strand). Cytogenetic location: 7q22.1.
Variant type: single nucleotide variant.
Coding change: c.7887T>C on transcript NM_005045.4 (MANE Select); coding-DNA position 7887, T replaced by C.
Protein change: p.Pro2629=; no amino-acid change (proline 2629 retained).
Molecular consequence: synonymous variant.
Genome position (GRCh38, 1-based): chr7:103,515,417, A>G on the plus strand (T>C on the coding strand, the complement: RELN is on the minus strand). VCF-style: chr7-103515417-A-G. GRCh37 (hg19) VCF-style: chr7-103155864-A-G.
Other names: p.Pro2629=; c.7887T>C, p.Pro2629= (NM_173054.3).
Identifiers: ClinVar variation 130142 (VCV000130142.25), dbSNP rs56345626, ClinGen allele CA154941.

ClinVar aggregate classification (germline): Benign. Review status: criteria provided, multiple submitters, no conflicts (2 of 4 stars). 12 submissions from 12 submitters: Benign (8). 4 of the submissions do not count toward it. Last evaluated 2026-02-03.

Conditions:
Norman-Roberts syndrome (LIS2). Also called: Lissencephaly 2 (Norman-Roberts type). Identifiers: Orphanet 89844, MedGen C0796089, MONDO:0009760, OMIM 257320.
Familial temporal lobe epilepsy 7. Identifiers: Orphanet 101046, MedGen C4225327, MONDO:0014639, OMIM 616436.

Allele frequency attached by ClinVar (database versions not stated): TOPMed 0.16713; ESP Exome Variant Server 0.16938; gnomAD 0.17070 and 0.17245; 1000 Genomes Project 30x 0.17099; 1000 Genomes Project 0.17492; gnomAD exomes 0.18023 and 0.18333; ExAC 0.18160.
gnomAD v4.1: 294,272 of 1,613,810 alleles (18%); highest among the groups gnomAD compares: East Asian, 29%; 27,618 homozygotes.

Submissions (12):

Labcorp Genetics (formerly Invitae), Labcorp
Classification: Benign for Familial temporal lobe epilepsy 7; Norman-Roberts syndrome. Last evaluated: 2026-02-03. Review status: criteria provided, single submitter. Criteria: Invitae Variant Classification Sherloc (09022015). Collection method: clinical testing. Allele origin: germline.

Blueprint Genetics
Classification: Benign. Last evaluated: 2024-11-27. Review status: criteria provided, single submitter. Criteria: ACMG Guidelines, 2015. Collection method: clinical testing. Allele origin: germline.

Athena Diagnostics
Classification: Benign. Last evaluated: 2018-05-07. Review status: criteria provided, single submitter. Criteria: Athena Diagnostics Criteria. Collection method: clinical testing. Allele origin: germline.

Mayo Clinic Laboratories, Mayo Clinic
Classification: Benign. Last evaluated: 2018-04-02. Review status: criteria provided, single submitter. Criteria: ACMG Guidelines, 2015. Collection method: clinical testing. Allele origin: germline. Observed: 176 variant alleles.

Illumina Laboratory Services, Illumina
Classification: Benign for Norman-Roberts syndrome. Last evaluated: 2018-01-12. Review status: criteria provided, single submitter. Criteria: ICSL Variant Classification Criteria 13 December 2019. Collection method: clinical testing. Allele origin: germline.
Comment: This variant was observed in the ICSL laboratory as part of a predisposition screen in an ostensibly healthy population. It had not been previously curated by ICSL or reported in the Human Gene Mutation Database (HGMD: prior to June 1st, 2018), and was therefore a candidate for classification through an automated scoring system. Utilizing variant allele frequency, disease prevalence and penetrance estimates, and inheritance mode, an automated score was calculated to assess if this variant is too frequent to cause the disease. Based on the score and internal cut-off values, a variant classified as benign is not then subjected to further curation. The score for this variant resulted in a classification of benign for this disease.

GeneDx
Classification: Benign. Last evaluated: 2015-03-03. Review status: criteria provided, single submitter. Criteria: GeneDx Variant Classification Process June 2021. Collection method: clinical testing. Allele origin: germline. Affected: yes.

Breakthrough Genomics
Classification: Benign. Review status: criteria provided, single submitter. Criteria: ACMG Guidelines, 2015. Collection method: not provided. Allele origin: germline. Inheritance: Autosomal recessive inheritance. Affected: yes.

PreventionGenetics, part of Exact Sciences
Classification: Benign. Review status: criteria provided, single submitter. Criteria: ACMG Guidelines, 2015. Collection method: clinical testing. Allele origin: germline.

Clinical Genetics DNA and cytogenetics Diagnostics Lab, Erasmus MC, Erasmus Medical Center
Classification: Benign. Review status: no assertion criteria provided. Collection method: clinical testing. Allele origin: germline. Affected: yes. Study: VKGL Data-share Consensus. Not counted in ClinVar's aggregate classification.

Clinical Genetics, Academic Medical Center
Classification: Benign. Review status: no assertion criteria provided. Collection method: clinical testing. Allele origin: germline. Affected: yes. Study: VKGL Data-share Consensus. Not counted in ClinVar's aggregate classification.

Diagnostic Laboratory, Department of Genetics, University Medical Center Groningen
Classification: Benign for Norman-Roberts syndrome. Review status: no assertion criteria provided. Collection method: clinical testing. Allele origin: germline. Affected: yes. Study: VKGL Data-share Consensus. Not counted in ClinVar's aggregate classification.

Genetic Services Laboratory, University of Chicago
Classification: Likely benign for AllHighlyPenetrant. Review status: no assertion criteria provided. Collection method: clinical testing. Allele origin: germline. Inheritance: Autosomal recessive inheritance. Not counted in ClinVar's aggregate classification.
Comment: Likely benign based on allele frequency in 1000 Genomes Project or ESP global frequency and its presence in a patient with a rare or unrelated disease phenotype. NOT Sanger confirmed.